The following is an entry in ClinVar:

ClinVar aggregate classification (germline): Uncertain significance (1 of 4 stars; one submission).

Conditions:
Cardiovascular phenotype. Identifiers: MedGen CN230736.

Submission:

Ambry Genetics
Classification: Uncertain significance for Cardiovascular phenotype. Last evaluated: 2023-04-09. Review status: criteria provided, single submitter. Criteria: Ambry Variant Classification Scheme 2023. Collection method: clinical testing. Allele origin: germline.
Comment: The p.N1180I variant (also known as c.3539A>T), located in coding exon 17 of the MYPN gene, results from an A to T substitution at nucleotide position 3539. The asparagine at codon 1180 is replaced by isoleucine, an amino acid with dissimilar properties. This amino acid position is conserved. In addition, the in silico prediction for this alteration is inconclusive. Since supporting evidence is limited at this time, the clinical significance of this alteration remains unclear.

NM_032578.4(MYPN):c.3539A>T (p.Asn1180Ile)

Gene: MYPN (myopalladin; plus strand). Cytogenetic location: 10q21.3.
Variant type: single nucleotide variant.
Coding change: c.3539A>T on transcript NM_032578.4 (MANE Select); coding-DNA position 3539, A replaced by T.
Protein change: p.Asn1180Ile; replaces asparagine 1180 with isoleucine.
Molecular consequence: missense variant. On other transcripts: non-coding transcript variant (2).
Genome position (GRCh38, 1-based): chr10:68,201,874, A>T. VCF-style: chr10-68201874-A-T. GRCh37 (hg19) VCF-style: chr10-69961631-A-T.
Other names: c.3539A>T, p.Asn1180Ile (NM_001256267.2); c.2657A>T, p.Asn886Ile (NM_001256268.2); short protein forms N1180I, N886I.
Identifiers: ClinVar variation 2563970 (VCV002563970.2), dbSNP rs2495985554, ClinGen allele CA376859979.
Genomic context (GRCh38, chr10:68,201,874, plus strand): 5'-CCTTCTCTTGCTCAGCCAAAGAGGTGAAGAAAGCACCTGTGATCCTGGAGAAACTACAGA[A>T]CTGCGGTGTTCCCGAAGGCCACCCCGTGAGACTGGAGTGCCGCGTGATAGGCATGCCCCC-3'
Protein context (NP_115967.2, residues 1170-1190): KAPVILEKLQ[Asn1180Ile]CGVPEGHPVR